The following is an entry in ClinVar:

ClinVar aggregate classification (germline): Uncertain significance (1 of 4 stars; one submission).

Conditions:
Emery-Dreifuss muscular dystrophy 5, autosomal dominant (EDMD5). Also called: EMERY-DREIFUSS MUSCULAR DYSTROPHY 5. Identifiers: Orphanet 261, MedGen C2751805, MONDO:0013072, OMIM 612999.

gnomAD v4.1: 21 of 1,614,254 alleles (0.0013%); highest among the groups gnomAD compares: East Asian, 0.047%; no homozygotes.

Submission:

Labcorp Genetics (formerly Invitae), Labcorp
Classification: Uncertain significance for Emery-Dreifuss muscular dystrophy 5, autosomal dominant. Last evaluated: 2023-09-08. Review status: criteria provided, single submitter. Criteria: Invitae Variant Classification Sherloc (09022015). Collection method: clinical testing. Allele origin: germline.
Comment: In summary, the available evidence is currently insufficient to determine the role of this variant in disease. Therefore, it has been classified as a Variant of Uncertain Significance. An algorithm developed to predict the effect of missense changes on protein structure and function (PolyPhen-2) suggests that this variant is likely to be disruptive. This variant has not been reported in the literature in individuals affected with SYNE2-related conditions. This variant is present in population databases (no rsID available, gnomAD 0.006%). This sequence change replaces glutamine, which is neutral and polar, with histidine, which is basic and polar, at codon 6139 of the SYNE2 protein (p.Gln6139His).

NM_182914.3(SYNE2):c.18417G>T (p.Gln6139His)

Gene: SYNE2 (spectrin repeat containing nuclear envelope protein 2; plus strand). Cytogenetic location: 14q23.2.
Variant type: single nucleotide variant.
Coding change: c.18417G>T on transcript NM_182914.3 (MANE Select); coding-DNA position 18417, G replaced by T.
Protein change: p.Gln6139His; replaces glutamine 6139 with histidine.
Molecular consequence: missense variant.
Genome position (GRCh38, 1-based): chr14:64,209,455, G>T. VCF-style: chr14-64209455-G-T. GRCh37 (hg19) VCF-style: chr14-64676173-G-T.
Other names: c.18417G>T, p.Gln6139His (NM_015180.6); short protein forms Q6139H.
Identifiers: ClinVar variation 2779583 (VCV002779583.3), dbSNP rs371461730, ClinGen allele CA389949626.